The following is an entry in ClinVar:

ClinVar aggregate classification (germline): Benign. Review status: criteria provided, multiple submitters, no conflicts (2 of 4 stars). 5 submissions from 5 submitters: Benign (5). Last evaluated 2026-02-04.

Conditions:
Methylmalonic acidemia due to methylmalonyl-CoA epimerase deficiency. Also called: METHYLMALONYL-CoA RACEMASE DEFICIENCY; METHYLMALONIC ACIDURIA III; Methylmalonyl-CoA Epimerase Deficiency. Identifiers: Orphanet 308425, MedGen C1855100, MONDO:0009615, OMIM 251120.

Allele frequency attached by ClinVar (database versions not stated): ESP Exome Variant Server 0.02184; gnomAD 0.02371 and 0.02453; 1000 Genomes Project 0.03055; TOPMed 0.03075; 1000 Genomes Project 30x 0.03295.
gnomAD v4.1: 13,633 of 1,613,128 alleles (0.85%); highest among the groups gnomAD compares: African/African-American, 6.5%; 395 homozygotes.

Submissions (5):

Labcorp Genetics (formerly Invitae), Labcorp
Classification: Benign for Methylmalonic acidemia due to methylmalonyl-CoA epimerase deficiency. Last evaluated: 2026-02-04. Review status: criteria provided, single submitter. Criteria: Invitae Variant Classification Sherloc (09022015). Collection method: clinical testing. Allele origin: germline.

Mayo Clinic Laboratories, Mayo Clinic
Classification: Benign. Last evaluated: 2021-04-07. Review status: criteria provided, single submitter. Criteria: ACMG Guidelines, 2015. Collection method: clinical testing. Allele origin: germline. Observed: 4 variant alleles.

Illumina Laboratory Services, Illumina
Classification: Benign for Methylmalonic acidemia due to methylmalonyl-CoA epimerase deficiency. Last evaluated: 2018-01-13. Review status: criteria provided, single submitter. Criteria: ICSL Variant Classification Criteria 13 December 2019. Collection method: clinical testing. Allele origin: germline.
Comment: This variant was observed in the ICSL laboratory as part of a predisposition screen in an ostensibly healthy population. It had not been previously curated by ICSL or reported in the Human Gene Mutation Database (HGMD: prior to June 1st, 2018), and was therefore a candidate for classification through an automated scoring system. Utilizing variant allele frequency, disease prevalence and penetrance estimates, and inheritance mode, an automated score was calculated to assess if this variant is too frequent to cause the disease. Based on the score and internal cut-off values, a variant classified as benign is not then subjected to further curation. The score for this variant resulted in a classification of benign for this disease.

GeneDx
Classification: Benign. Last evaluated: 2015-06-25. Review status: criteria provided, single submitter. Criteria: GeneDx Variant Classification (06012015). Collection method: clinical testing. Allele origin: germline. Affected: yes.
Comment: This variant is considered likely benign or benign based on one or more of the following criteria: it is a conservative change, it occurs at a poorly conserved position in the protein, it is predicted to be benign by multiple in silico algorithms, and/or has population frequency not consistent with disease.

Breakthrough Genomics
Classification: Benign. Review status: criteria provided, single submitter. Criteria: ACMG Guidelines, 2015. Collection method: not provided. Allele origin: germline. Inheritance: Autosomal recessive inheritance. Affected: yes.

NM_032601.4(MCEE):c.428G>A (p.Arg143His)

Gene: MCEE (methylmalonyl-CoA epimerase; minus strand). Cytogenetic location: 2p13.3.
Variant type: single nucleotide variant.
Coding change: c.428G>A on transcript NM_032601.4 (MANE Select); coding-DNA position 428, G replaced by A.
Protein change: p.Arg143His; replaces arginine 143 with histidine.
Molecular consequence: missense variant.
Genome position (GRCh38, 1-based): chr2:71,110,073, C>T on the plus strand (G>A on the coding strand, the complement: MCEE is on the minus strand). VCF-style: chr2-71110073-C-T. GRCh37 (hg19) VCF-style: chr2-71337203-C-T.
Other names: p.Arg143His; short protein forms R143H.
Identifiers: ClinVar variation 336936 (VCV000336936.16), dbSNP rs115175255, ClinGen allele CA1702575.
Genomic context (GRCh38, chr2:71,110,073, plus strand): 5'-GGATGGAGAAAAATCACTGGTTTTCCATGTGCTCCTATTTTGACCTCTTCACTTAGACTG[C>T]GGATCTTCTTTTTTTTCAAATCCATCACAGCTGCATTAATATTATCCACCTTAAGAAAGG-3'
Protein context (NP_115990.3, residues 133-153): AVMDLKKKKI[Arg143His]SLSEEVKIGA